The following is an entry in ClinVar:

ClinVar aggregate classification (germline): Likely benign. Review status: criteria provided, multiple submitters, no conflicts (2 of 4 stars). 2 submissions from 2 submitters: Likely benign (2). Last evaluated 2024-11-18.

Allele frequency attached by ClinVar (database versions not stated): TOPMed 0.00012; ESP Exome Variant Server 0.00023; 1000 Genomes Project 30x 0.00062; gnomAD exomes 0.00064; 1000 Genomes Project 0.00080; ExAC 0.00141; gnomAD 0.00143.
gnomAD v4.1: 1,120 of 1,560,252 alleles (0.072%); highest among the groups gnomAD compares: Middle Eastern, 0.069%; 14 homozygotes.

Submissions (2):

Blueprint Genetics
Classification: Likely benign. Last evaluated: 2024-11-18. Review status: criteria provided, single submitter. Criteria: ACMG Guidelines, 2015. Collection method: clinical testing. Allele origin: germline.

CeGaT Center for Human Genetics Tuebingen
Classification: Likely benign. Last evaluated: 2022-07-01. Review status: criteria provided, single submitter. Criteria: CeGaT Center For Human Genetics Tuebingen Variant Classification Criteria Version 2. Collection method: clinical testing. Allele origin: germline. Affected: yes. Observed: 1 variant allele.
Comment: IRS1: BP4, BS1

NM_005544.3(IRS1):c.1790G>A (p.Gly597Glu)

Gene: IRS1 (insulin receptor substrate 1; minus strand). Cytogenetic location: 2q36.3.
Variant type: single nucleotide variant.
Coding change: c.1790G>A on transcript NM_005544.3 (MANE Select); coding-DNA position 1790, G replaced by A.
Protein change: p.Gly597Glu; replaces glycine 597 with glutamic acid.
Molecular consequence: missense variant.
Genome position (GRCh38, 1-based): chr2:226,796,949, C>T on the plus strand (G>A on the coding strand, the complement: IRS1 is on the minus strand). VCF-style: chr2-226796949-C-T. GRCh37 (hg19) VCF-style: chr2-227661665-C-T.
Other names: short protein forms G597E.
Identifiers: ClinVar variation 2651952 (VCV002651952.25), dbSNP rs139287405, ClinGen allele CA2143243.
Genomic context (GRCh38, chr2:226,796,949, plus strand): 5'-GGGGACATGGGCATGTAGCCATCATCCGTGTGGAGGGTGGAGCTGTCTGGGCGGTGGTGC[C>T]CCCCCCGACGCTCCAAGGGGTGCATTTCCAGACCCTCCTCTGGGTAGGAGCGGGTGGGCA-3'
Protein context (NP_005535.1, residues 587-607): LEMHPLERRG[Gly597Glu]HHRPDSSTLH